The following is an entry in ClinVar:

ClinVar aggregate classification (germline): Pathogenic (1 of 4 stars; one submission).

Conditions:
Primary ciliary dyskinesia 3. Identifiers: Orphanet 244, MedGen C1837618, MONDO:0012085, OMIM 608644.

Submission:

Myriad Genetics, Inc.
Classification: Pathogenic for Primary ciliary dyskinesia 3. Last evaluated: 2024-05-14. Review status: criteria provided, single submitter. Criteria: Myriad Autosomal Dominant, Autosomal Recessive and X-Linked Classification Criteria (2023). Collection method: clinical testing. Allele origin: unknown.
Comment: NM_001369.2(DNAH5):c.4131_4134del4ins18(N1377Kfs*34) is expected to be pathogenic in the context of primary ciliary dyskinesia, DNAH5-related. This variant is predicted to lead to an abnormal or absent protein product due to the creation of a premature termination codon in DNAH5, a gene where loss-of-function variants are known to be pathogenic. Please note: this variant was assessed in the context of healthy population screening.

NM_001369.3(DNAH5):c.4131_4134delinsGATGTGTATAAGAGACAG (p.Asn1377fs)

Genes: DNAH5 (dynein axonemal heavy chain 5; minus strand), DNAH5-AS1 (DNAH5 antisense RNA 1; plus strand). Cytogenetic location: 5p15.2.
Variant type: Indel.
Coding change: c.4131_4134delinsGATGTGTATAAGAGACAG on transcript NM_001369.3 (MANE Select); coding-DNA positions 4131 to 4134, TATC replaced by GATGTGTATAAGAGACAG.
Protein change: p.Asn1377fs; shifts the reading frame from asparagine 1377.
Molecular consequence: frameshift variant.
Genome position (GRCh38, 1-based): chr5:13,865,889-13,865,892, GATA replaced by CTGTCTCTTATACACATC on the plus strand (TATC replaced by GATGTGTATAAGAGACAG on the coding strand, the reverse complement: DNAH5 is on the minus strand). VCF-style: chr5-13865889-GATA-CTGTCTCTTATACACATC. GRCh37 (hg19) VCF-style: chr5-13865998-GATA-CTGTCTCTTATACACATC.
Other names: short protein forms N1377fs.
Identifiers: ClinVar variation 5011112 (VCV005011112.1).
Genomic context (GRCh38, chr5:13,865,889, plus strand): 5'-CTGTGTAGCTGGCAGGCCAAAAAGCTCCTCTCCTCCAGTATATGTGATGTATTTCCGATA[GATA>CTGTCTCTTATACACATC]TTATCAAATTGATTCTAATAAAAACACAAGTGAAAACGCATCAAAATGATTTATACATGA-3'